The following is an entry in ClinVar:

ClinVar aggregate classification (germline): Uncertain significance (1 of 4 stars; one submission).

Conditions:
Cardiovascular phenotype. Identifiers: MedGen CN230736.

Submission:

Ambry Genetics
Classification: Uncertain significance for Cardiovascular phenotype. Last evaluated: 2021-04-01. Review status: criteria provided, single submitter. Criteria: Ambry Variant Classification Scheme 2023. Collection method: clinical testing. Allele origin: germline.
Comment: The p.E2213Q variant (also known as c.6637G>C), located in coding exon 29 of the AKAP9 gene, results from a G to C substitution at nucleotide position 6637. The glutamic acid at codon 2213 is replaced by glutamine, an amino acid with highly similar properties. This amino acid position is highly conserved in available vertebrate species. In addition, this alteration is predicted to be tolerated by in silico analysis. Since supporting evidence is limited at this time, the clinical significance of this alteration remains unclear.

NM_005751.5(AKAP9):c.6637G>C (p.Glu2213Gln)

Gene: AKAP9 (A-kinase anchoring protein 9; plus strand). Cytogenetic location: 7q21.2.
Variant type: single nucleotide variant.
Coding change: c.6637G>C on transcript NM_005751.5 (MANE Select); coding-DNA position 6637, G replaced by C.
Protein change: p.Glu2213Gln; replaces glutamic acid 2213 with glutamine.
Molecular consequence: missense variant.
Genome position (GRCh38, 1-based): chr7:92,076,879, G>C. VCF-style: chr7-92076879-G-C. GRCh37 (hg19) VCF-style: chr7-91706193-G-C.
Other names: c.1282G>C, p.Glu428Gln (NM_001379277.1); c.6613G>C, p.Glu2205Gln (NM_147185.3); short protein forms E2213Q, E428Q, E2205Q.
Identifiers: ClinVar variation 1754596 (VCV001754596.2), dbSNP rs2535236353, ClinGen allele CA368132804.
Genomic context (GRCh38, chr7:92,076,879, plus strand): 5'-AACATTTTTTCTCTTTTGATAATTTTGTTATTAAAGATTACAAACTTAGAAGAGCAATTA[G>C]AACAGTTTAGAGAAGAACTGGAAAATAAGAATGAAGAAGTTCAACAATTACATATGCAAT-3'
Protein context (NP_005742.4, residues 2203-2223): KEITNLEEQL[Glu2213Gln]QFREELENKN